The following is an entry in ClinVar:

NM_018975.4(TERF2IP):c.395G>T (p.Gly132Val)

Gene: TERF2IP (TERF2 interacting protein; plus strand). Cytogenetic location: 16q23.1.
Variant type: single nucleotide variant.
Coding change: c.395G>T on transcript NM_018975.4 (MANE Select); coding-DNA position 395, G replaced by T.
Protein change: p.Gly132Val; replaces glycine 132 with valine.
Molecular consequence: missense variant. On other transcripts: non-coding transcript variant (1).
Genome position (GRCh38, 1-based): chr16:75,648,277, G>T. VCF-style: chr16-75648277-G-T. GRCh37 (hg19) VCF-style: chr16-75682175-G-T.
Other names: short protein forms G132V.
Identifiers: ClinVar variation 2691984 (VCV002691984.3), dbSNP rs756362140, ClinGen allele CA8177987.

ClinVar aggregate classification (germline): Uncertain significance. Review status: criteria provided, multiple submitters, no conflicts (2 of 4 stars). 2 submissions from 2 submitters: Uncertain significance (2). Last evaluated 2025-07-30.

Allele frequency attached by ClinVar (database versions not stated): gnomAD 0.00001; TOPMed 0.00002; gnomAD exomes 0.00003.
gnomAD v4.1: 42 of 1,550,000 alleles (0.0027%); highest among the groups gnomAD compares: Non-Finnish European, 0.0034%; no homozygotes.

Submissions (2):

Labcorp Genetics (formerly Invitae), Labcorp
Classification: Uncertain significance. Last evaluated: 2025-07-30. Review status: criteria provided, single submitter. Criteria: Invitae Variant Classification Sherloc (09022015). Collection method: clinical testing. Allele origin: germline.
Comment: This sequence change replaces glycine, which is neutral and non-polar, with valine, which is neutral and non-polar, at codon 132 of the TERF2IP protein (p.Gly132Val). This variant is present in population databases (rs756362140, gnomAD 0.002%). This variant has not been reported in the literature in individuals affected with TERF2IP-related conditions. ClinVar contains an entry for this variant (Variation ID: 2691984). An algorithm developed to predict the effect of missense changes on protein structure and function (PolyPhen-2) suggests that this variant is likely to be tolerated. In summary, the available evidence is currently insufficient to determine the role of this variant in disease. Therefore, it has been classified as a Variant of Uncertain Significance.

Center for Genomic Medicine, Rigshospitalet, Copenhagen University Hospital
Classification: Uncertain significance. Last evaluated: 2025-03-04. Review status: criteria provided, single submitter. Criteria: ACMG Guidelines, 2015. Collection method: clinical testing. Allele origin: germline.